The following is an entry in ClinVar:

ClinVar aggregate classification (germline): Uncertain significance (1 of 4 stars; one submission).

Conditions:
Hypophosphatemic nephrolithiasis/osteoporosis 2. Identifiers: Orphanet 244305, MedGen C2676782, MONDO:0012851, OMIM 612287.

gnomAD v4.1: 7 of 1,614,056 alleles (0.00043%); highest among the groups gnomAD compares: East Asian, 0.011%; no homozygotes.

Submission:

Rare Kidney Stone Consortium and the Mayo Clinic Hyperoxaluria Center, Mayo Clinic
Classification: Uncertain significance for Hypophosphatemic nephrolithiasis/osteoporosis 2. Last evaluated: 2025-10-03. Review status: criteria provided, single submitter. Criteria: ACMG Guidelines, 2015. Collection method: research. Allele origin: germline. Observed: 1 variant allele.
Comment: ACMG:PM1, PM2, BS2

Literature cited by the submitters: PubMed 40794449.

NM_004252.5(NHERF1):c.565G>A (p.Glu189Lys)

Gene: NHERF1 (NHERF family PDZ scaffold protein 1; plus strand). Cytogenetic location: 17q25.1.
Variant type: single nucleotide variant.
Coding change: c.565G>A on transcript NM_004252.5 (MANE Select); coding-DNA position 565, G replaced by A.
Protein change: p.Glu189Lys; replaces glutamic acid 189 with lysine.
Molecular consequence: missense variant.
Genome position (GRCh38, 1-based): chr17:74,762,135, G>A. VCF-style: chr17-74762135-G-A. GRCh37 (hg19) VCF-style: chr17-72758274-G-A.
Other names: short protein forms E189K.
Identifiers: ClinVar variation 4526801 (VCV004526801.1).